The following is an entry in ClinVar:

ClinVar aggregate classification (germline): Uncertain significance (1 of 4 stars; one submission).

Conditions:
Oto-palato-digital syndrome, type II (OPD2). Also called: FACIOPALATOOSSEOUS SYNDROME; OPD II SYNDROME; Otopalatodigital Syndrome, Type II; Otopalatodigital Syndrome Type 2 (FLNA-OPD2). Identifiers: Orphanet 669, Orphanet 90652, MedGen C1844696, MONDO:0010571, OMIM 304120.
Heterotopia, periventricular, X-linked dominant (PVNH1). Also called: PERIVENTRICULAR NODULAR HETEROTOPIA 1; X-linked periventricular heterotopia; PERIVENTRICULAR NODULAR HETEROTOPIA 4; HETEROTOPIA, PERIVENTRICULAR, 1. Identifiers: Orphanet 2149, Orphanet 82004, MedGen C1848213, MONDO:0010233, OMIM 300049.
Frontometaphyseal dysplasia (FMD1). Identifiers: Orphanet 1826, MedGen C0265293, MONDO:0015942.
Melnick-Needles syndrome (MNS). Also called: MELNICK-NEEDLES OSTEODYSPLASTY; OSTEODYSPLASTY OF MELNICK AND NEEDLES; Melnick-Needles Syndrome (FLNA-MNS). Identifiers: Orphanet 2484, MedGen C0025237, MONDO:0010650, OMIM 309350.

Submission:

Labcorp Genetics (formerly Invitae), Labcorp
Classification: Uncertain significance for Oto-palato-digital syndrome, type II; Heterotopia, periventricular, X-linked dominant; Frontometaphyseal dysplasia; Melnick-Needles syndrome. Last evaluated: 2023-02-20. Review status: criteria provided, single submitter. Criteria: Invitae Variant Classification Sherloc (09022015). Collection method: clinical testing. Allele origin: germline.
Comment: This variant is not present in population databases (gnomAD no frequency). In summary, the available evidence is currently insufficient to determine the role of this variant in disease. Therefore, it has been classified as a Variant of Uncertain Significance. Advanced modeling of protein sequence and biophysical properties (such as structural, functional, and spatial information, amino acid conservation, physicochemical variation, residue mobility, and thermodynamic stability) performed at Invitae indicates that this missense variant is not expected to disrupt FLNA protein function. This variant has not been reported in the literature in individuals affected with FLNA-related conditions. This sequence change replaces glutamic acid, which is acidic and polar, with glycine, which is neutral and non-polar, at codon 1042 of the FLNA protein (p.Glu1042Gly).

NM_001110556.2(FLNA):c.3125A>G (p.Glu1042Gly)

Gene: FLNA (filamin A; minus strand). Cytogenetic location: Xq28.
Variant type: single nucleotide variant.
Coding change: c.3125A>G on transcript NM_001110556.2 (MANE Select); coding-DNA position 3125, A replaced by G.
Protein change: p.Glu1042Gly; replaces glutamic acid 1042 with glycine.
Molecular consequence: missense variant.
Genome position (GRCh38, 1-based): chrX:154,361,390, T>C on the plus strand (A>G on the coding strand, the complement: FLNA is on the minus strand). VCF-style: chrX-154361390-T-C. GRCh37 (hg19) VCF-style: chrX-153589758-T-C.
Other names: c.3125A>G, p.Glu1042Gly (NM_001456.4); short protein forms E1042G.
Identifiers: ClinVar variation 2939111 (VCV002939111.3), dbSNP rs2522744973, ClinGen allele CA415230292.